The following is an entry in ClinVar:

NM_000540.3(RYR1):c.12666C>T (p.Asn4222=)

Gene: RYR1 (ryanodine receptor 1; plus strand). Cytogenetic location: 19q13.2.
Variant type: single nucleotide variant.
Coding change: c.12666C>T on transcript NM_000540.3 (MANE Select); coding-DNA position 12666, C replaced by T.
Protein change: p.Asn4222=; no amino-acid change (asparagine 4222 retained).
Molecular consequence: synonymous variant.
Genome position (GRCh38, 1-based): chr19:38,565,000, C>T. VCF-style: chr19-38565000-C-T. GRCh37 (hg19) VCF-style: chr19-39055640-C-T.
Other names: c.12651C>T, p.Asn4217= (NM_001042723.2).
Identifiers: ClinVar variation 2919963 (VCV002919963.4), dbSNP rs764655128, ClinGen allele CA059322.

ClinVar aggregate classification (germline): Conflicting classifications of pathogenicity. Review status: criteria provided, conflicting classifications (1 of 4 stars). 2 submissions from 2 submitters: Uncertain significance (1); Likely benign (1). Last evaluated 2023-12-15.

Conditions:
RYR1-related disorder. Also called: RYR1-related disorders; RYR1-related condition. Identifiers: MedGen CN239331.
Malignant hyperthermia, susceptibility to, 1 (MHS1). Also called: Anesthesia related hyperthermia; Malignant hyperpyrexia; Fulminating hyperpyrexia; Pharmacogenic myopathy; Malignant hyperthermia suceptibility 1; RYR1-Related Malignant Hyperthermia Susceptibility. Identifiers: Orphanet 423, MedGen C2930980, MONDO:0007783, OMIM 145600.

Allele frequency attached by ClinVar (database versions not stated): gnomAD exomes below 0.00001; ExAC 0.00005.
gnomAD v4.1: 5 of 1,592,344 alleles (0.00031%); highest among the groups gnomAD compares: Admixed American, 0.007%; no homozygotes.

Submissions (2):

Labcorp Genetics (formerly Invitae), Labcorp
Classification: Likely benign for RYR1-related disorder. Last evaluated: 2023-12-15. Review status: criteria provided, single submitter. Criteria: Invitae Variant Classification Sherloc (09022015). Collection method: clinical testing. Allele origin: germline.

All of Us Research Program, National Institutes of Health
Classification: Uncertain significance for Malignant hyperthermia, susceptibility to, 1. Last evaluated: 2023-08-15. Review status: criteria provided, single submitter. Criteria: ACMG Guidelines, 2015. Collection method: clinical testing. Allele origin: germline. Inheritance: Autosomal dominant inheritance. Observed: 1 variant allele, 1 heterozygote.
Comment: This variant is located in the RYR1 protein. To our knowledge, functional studies have not been reported for this variant. This variant has not been reported in individuals affected with RYR1-related disorders in the literature. This variant has been identified in 3/213096 chromosomes in the general population by the Genome Aggregation Database (gnomAD). The available evidence is insufficient to determine the role of this variant in disease conclusively. Therefore, this variant is classified as a Variant of Uncertain Significance.

This study involves interpretation of variants in research participants for the purpose of population health screening. Participant phenotype was not available at the time of variant classification. Additional details can be found in publication PMID: 35346344, PMCID: PMC8962531